The following is an entry in ClinVar:

ClinVar aggregate classification (germline): Uncertain significance (1 of 4 stars; one submission).

Submission:

Ambry Genetics
Classification: Uncertain significance. Last evaluated: 2023-09-07. Review status: criteria provided, single submitter. Criteria: Ambry Variant Classification Scheme 2023. Collection method: clinical testing. Allele origin: germline.
Comment: The p.T1013K variant (also known as c.3038C>A), located in coding exon 1 of the MLH3 gene, results from a C to A substitution at nucleotide position 3038. The threonine at codon 1013 is replaced by lysine, an amino acid with similar properties. This amino acid position is conserved. In addition, this alteration is predicted to be tolerated by in silico analysis. Since supporting evidence is limited at this time, the clinical significance of this alteration remains unclear.

NM_001040108.2(MLH3):c.3038C>A (p.Thr1013Lys)

Gene: MLH3 (mutL homolog 3; minus strand). Cytogenetic location: 14q24.3.
Variant type: single nucleotide variant.
Coding change: c.3038C>A on transcript NM_001040108.2 (MANE Select); coding-DNA position 3038, C replaced by A.
Protein change: p.Thr1013Lys; replaces threonine 1013 with lysine.
Molecular consequence: missense variant.
Genome position (GRCh38, 1-based): chr14:75,046,618, G>T on the plus strand (C>A on the coding strand, the complement: MLH3 is on the minus strand). VCF-style: chr14-75046618-G-T. GRCh37 (hg19) VCF-style: chr14-75513321-G-T.
Other names: c.3038C>A, p.Thr1013Lys (NM_014381.3); short protein forms T1013K.
Identifiers: ClinVar variation 2625676 (VCV002625676.2), dbSNP rs2503255264, ClinGen allele CA390436790.
Genomic context (GRCh38, chr14:75,046,618, plus strand): 5'-TCAGAACAAGCTCTTGCTTTAGATTCCTCACTCTGAAAACAAATTCCATTTTGGTCACCT[G>T]TGGCATCTTCTACCGGATTCATTAACATTCCACTGGGAGAGTCAAGACTTCCTATCTGTT-3'
Protein context (NP_001035197.1, residues 1003-1023): GMLMNPVEDA[Thr1013Lys]GDQNGICFQS